The following is an entry in ClinVar:

NM_000384.3(APOB):c.7931G>A (p.Arg2644Lys)

Gene: APOB (apolipoprotein B; minus strand). Cytogenetic location: 2p24.1.
Variant type: single nucleotide variant.
Coding change: c.7931G>A on transcript NM_000384.3 (MANE Select); coding-DNA position 7931, G replaced by A.
Protein change: p.Arg2644Lys; replaces arginine 2644 with lysine.
Molecular consequence: missense variant.
Genome position (GRCh38, 1-based): chr2:21,008,937, C>T on the plus strand (G>A on the coding strand, the complement: APOB is on the minus strand). VCF-style: chr2-21008937-C-T. GRCh37 (hg19) VCF-style: chr2-21231809-C-T.
Other names: short protein forms R2644K.
Identifiers: ClinVar variation 4881906 (VCV004881906.2).

ClinVar aggregate classification (germline): Uncertain significance (1 of 4 stars; one submission).

gnomAD v4.1: 1 of 1,613,964 alleles (0.000062%); highest among the groups gnomAD compares: Non-Finnish European, 0.000085%; no homozygotes.

Submission:

Dasa
Classification: Uncertain significance. Last evaluated: 2025-02-17. Review status: criteria provided, single submitter. Criteria: DASA Assertion Criteria. Collection method: clinical testing. Allele origin: germline.
Comment: NM_000384.3(APOB):c.7931G>A (p.Arg2644Lys) is a missense variant that results in the substitution of arginine with lysine. This variant is rare in population databases. Computational prediction algorithms are consistent with a benign effect. The currently available literature and clinical evidence are not sufficient to establish a definitive association between this variant and the reported condition. Therefore, this variant is classified as a variant of uncertain significance.